The following continues an entry in ClinVar:

NM_007294.4(BRCA1):c.68_69del (p.Glu23fs)

Gene: BRCA1. ClinVar aggregate classification (germline): Pathogenic. Pathogenic (1).

Submissions 31 to 44 of 97:

Quest Diagnostics Nichols Institute San Juan Capistrano
Classification: Pathogenic. Last evaluated: 2023-03-09. Review status: criteria provided, single submitter. Criteria: Quest Diagnostics criteria. Collection method: clinical testing. Allele origin: unknown. Not counted in ClinVar's aggregate classification.
Comment: This frameshift variant alters the translational reading frame of the BRCA1 mRNA and causes the premature termination of BRCA1 protein synthesis. The frequency of this variant in the general population, 0.0041 (42/10368 chromosomes), is consistent with pathogenicity. In the published literature, the variant has been reported as one of the common pathogenic BRCA founder variants in the Ashkenazi Jewish population (PMIDs: 22430266 (2012), 14576434 (2003), 8841191 (1996), 7550349 (1995)). The variant has been reported in individuals from multiple populations with a personal or family history of breast and/or ovarian cancer (PMIDs: 35377489 (2022), 33758026 (2022), 35039532 (2022), 35264596 (2022), 35356428 (2022), 35710434 (2022), 33646313 (2021), 32341426 (2020), 31528241 (2019), 31372034 (2019), 31159747 (2019), 30875412 (2019), 30630528 (2019), 30489631 (2019)) and prostate cancer (PMIDs: 33556450 (2021), 32338768 (2020), 31948886 (2020)). Functional studies report the variant disrupts proper protein function (PMID: 35459234 (2022)). Based on the available information, this variant is classified as pathogenic.

New York Genome Center
Classification: Pathogenic for Breast-ovarian cancer, familial, susceptibility to, 1. Last evaluated: 2022-08-09. Review status: criteria provided, single submitter. Criteria: NYGC Assertion Criteria 2020. Collection method: clinical testing. Allele origin: germline. Observed: 3 heterozygotes. Clinical features observed: Hyperlipidemia (HP:0003077), Diabetes mellitus (HP:0000819), Hepatic steatosis (HP:0001397), Type 2 diabetes mellitus (HP:0005978). Not counted in ClinVar's aggregate classification.
Comment: The c.68_69del variant in BRCA1 (also referred as c.185delAG) is an established pathogenic variant [ClinVar ID:17662] that is predicted (p.(Glu23fs)) to result in atruncated or absent BRCA1 protein due to nonsense mediated decay. The c.68_69del variant is a founder mutation in Ashkenazi Jewish population with a frequency of about 1% [PMID: 14576434]. The c.68_69del variant has been reported in multiple individuals with breast and/or ovarian, prostate, and pancreatic cancers [PMID:14576434, 20711688, 22516946, 23633455, 22752604]. Based on available evidence, this c.68_69del (p.(Glu23fs)) variant identified in BRCA1 is reported as Pathogenic.

Clinical Genetics Laboratory, Skane University Hospital Lund
Classification: Pathogenic. Last evaluated: 2022-07-29. Review status: criteria provided, single submitter. Criteria: ACMG Guidelines, 2015. Collection method: clinical testing. Allele origin: germline. Affected: yes. Not counted in ClinVar's aggregate classification.

MGZ Medical Genetics Center
Classification: Pathogenic for Breast-ovarian cancer, familial, susceptibility to, 1. Last evaluated: 2022-06-17. Review status: criteria provided, single submitter. Criteria: ACMG Guidelines, 2015. Collection method: clinical testing. Allele origin: germline. Affected: yes. Observed: 3 variant alleles. Not counted in ClinVar's aggregate classification.
Comment: ACMG criteria applied: PVS1, PS4, PP1_MOD, PS3_SUP, PM2_SUP

National Health Laboratory Service, Universitas Academic Hospital and University of the Free State
Classification: Pathogenic for Hereditary breast ovarian cancer syndrome. Last evaluated: 2022-04-19. Review status: criteria provided, single submitter. Criteria: ACMG Guidelines, 2015. Collection method: clinical testing. Allele origin: germline. Affected: yes. Observed: 3 variant alleles. Not counted in ClinVar's aggregate classification.

St. Jude Molecular Pathology, St. Jude Children's Research Hospital
Classification: Pathogenic for Hereditary breast ovarian cancer syndrome. Last evaluated: 2022-03-22. Review status: criteria provided, single submitter. Criteria: St. Jude Assertion Criteria 2020. Collection method: clinical testing. Allele origin: germline. Not counted in ClinVar's aggregate classification.
Comment: The BRCA1 c.68_69del (p.Glu23ValfsTer17) change causes a frameshift and the creation of a premature stop codon. This change is predicted to cause protein truncation or absence of the protein due to nonsense mediated decay (PVS1). This variant has a maximum subpopulation frequency of 0.41% in gnomAD v2.1.1, where it is primarily found in the Ashkenazi Jewish population. This variant has been reported in multiple individuals with breast cancer and/or ovarian cancer (PMID: 14576434, 26718727, 21503673, 22430266, 23633455, 22752604), prostate (PMID: 22516946) and pancreatic cancer (PMID: 20711688, 24737347, 23658460, 26440929). It is a well-established pathogenic founder variant in the Ashkenazi Jewish population (PMID: 9042909, 22430266). This alteration is also known as 185delAG or 187delAG in the literature. In summary, this variant meets criteria to be classified as pathogenic based on the ACMG/AMP criteria: PVS1, PS4.

Dasa
Classification: Pathogenic for Breast-ovarian cancer, familial, susceptibility to, 1. Last evaluated: 2022-03-05. Review status: criteria provided, single submitter. Criteria: ACMG Guidelines, 2015. Collection method: clinical testing. Allele origin: germline. Affected: yes. Observed: 1 variant allele. Not counted in ClinVar's aggregate classification.
Comment: The c.68_69del;p.(Glu23Valfs*17) is a null frameshift variant (NMD) in the BRCA1 gene and predicts alteration of the nonsense-mediate decay - NMD is present in a relevant exon to the transcript - PVS1. This sequence change has been observed in affected individual(s) and ClinVar contains an entry for this variant (ClinVar ID: 17662; PMID: 7611277; PMID: 7894492; PMID: 14576434; PMID: 21503673; PMID: 22430266)PS4. The variant is present at low allele frequencies population databases (rs80357914 – gnomAD 0.001446%; ABraOM no frequency.) - PM2_supporting. In summary, the currently available evidence indicates that the variant is pathogenic.

CHEO Genetics Diagnostic Laboratory, Children's Hospital of Eastern Ontario
Classification: Pathogenic for Breast and/or ovarian cancer. Last evaluated: 2022-03-04. Review status: criteria provided, single submitter. Criteria: ACMG Guidelines, 2015. Collection method: clinical testing. Allele origin: germline. Study: Canadian Open Genetics Repository. Not counted in ClinVar's aggregate classification.

Institute for Clinical Genetics, University Hospital TU Dresden, University Hospital TU Dresden
Classification: Pathogenic. Last evaluated: 2021-11-03. Review status: criteria provided, single submitter. Criteria: ACMG Guidelines, 2015. Collection method: clinical testing. Allele origin: germline. Not counted in ClinVar's aggregate classification.

Sema4
Classification: Pathogenic for Hereditary cancer-predisposing syndrome. Last evaluated: 2021-10-07. Review status: criteria provided, single submitter. Criteria: Sema4 Curation Guidelines. Collection method: curation. Allele origin: germline. Not counted in ClinVar's aggregate classification.
Comment: The BRCA1 c.68_69delAG (p.E23VfsX17) is a well characterized pathogenic variant that has been associated with autosomal dominant hereditary breast and ovarian cancer syndrome (PMID: 9042909). This variant is also known as 185_186delAG, 187delAG or 185delAG in the literature. The c.68_69delAG variant is a founder variant in the Ashkenazi Jewish population (PMID: 9042909, 9150153). This variant deletes 2 nucleotides causing a frameshift at codon 23 which creates a premature stop codon at position 17 of the new reading frame. At this location, this is predicted to cause nonsense-mediated decay and result in an absent protein (loss of function). Loss of function variants in BRCA1 are known to be pathogenic (PMID: 29446198). This variant was observed in 42/10368 chromosomes of the Ashkenazi Jewish subpopulation, with no homozygotes, in the large and broad cohorts of the Genome Aggregation Database (PMID:32461654) and has been reported in ClinVar (Variation ID17662). Based on the current evidence available, this variant was interpreted as a pathogenic .

Department of Pediatrics, Memorial Sloan Kettering Cancer Center
Classification: Pathogenic for Familial cancer of breast. Last evaluated: 2020-12-15. Review status: criteria provided, single submitter. Criteria: ACMG Guidelines, 2015. Collection method: research. Allele origin: germline. Affected: no. Not counted in ClinVar's aggregate classification.

Institute of Medical Genetics and Applied Genomics, University Hospital Tübingen
Classification: Pathogenic. Last evaluated: 2020-10-23. Review status: criteria provided, single submitter. Criteria: ACMG Guidelines, 2015. Collection method: clinical testing. Allele origin: germline. Inheritance: Autosomal dominant inheritance. Affected: yes. Not counted in ClinVar's aggregate classification.

Laboratory for Molecular Medicine, Mass General Brigham Personalized Medicine
Classification: Pathogenic for Hereditary breast ovarian cancer syndrome. Last evaluated: 2020-09-01. Review status: criteria provided, single submitter. Criteria: LMM Criteria. Collection method: clinical testing. Allele origin: germline. Inheritance: Autosomal dominant inheritance. Observed: 19 variant alleles. Not counted in ClinVar's aggregate classification.
Comment: The p.Glu23ValfsX17 variant in BRCA1 has been reported in numerous individuals with hereditary breast and ovarian cancer (HBOC) and is a known pathogenic Ashkenazi Jewish founder variant (Struewing 1997 PMID: 9145676, Abeliovich 2013 PMID: 9042909). It has also been identified in 0.4% (42/10368) of Ashkenazi Jewish and 0.009% (11/128780) of European chromosomes by gnomAD. Please note that this frequency is low enough to be consistent with the frequency of HBOC in the general population. This frameshift variant is predicted to alter the protein's amino acid sequence beginning at position 23 and lead to a premature termination codon 17 amino acids downstream. This alteration is then predicted to lead to a truncated or absent protein. Heterozygous loss of function of the BRCA1 gene is an established disease mechanism in individuals with HBOC. Additionally, this variant was classified as Pathogenic on April 22, 2016 by the ClinGen-approved ENIGMA expert panel (ClinVar SCV000282348.1). In summary, this variant meets criteria to be classified as pathogenic for HBOC in an autosomal dominant manner based upon the predicted impact to the protein and presence in multiple affected individuals. ACMG/AMP Criteria applied: PVS1, PS4_strong.

Department of Molecular Diagnostics, Institute of Oncology Ljubljana
Classification: Pathogenic for Breast-ovarian cancer, familial, susceptibility to, 1. Last evaluated: 2020-04-02. Review status: criteria provided, single submitter. Criteria: ACMG Guidelines, 2015. Collection method: clinical testing. Allele origin: germline. Affected: yes. Not counted in ClinVar's aggregate classification.